The following is an entry in ClinVar:

ClinVar aggregate classification (germline): Uncertain significance. Review status: criteria provided, multiple submitters, no conflicts (2 of 4 stars). 2 submissions from 2 submitters: Uncertain significance (2). Last evaluated 2023-02-13.

Conditions:
Ceroid lipofuscinosis, neuronal, 4 (Kufs type) (CLN4). Also called: Neuronal ceroid lipofuscinosis 4B; Ceroid lipofuscinosis, neuronal, 4, Parry type. Identifiers: Orphanet 228343, Orphanet 79262, MedGen C1834207, MONDO:0008083, OMIM 162350.

Allele frequency attached by ClinVar (database versions not stated): gnomAD exomes below 0.00001 and 0.00001; gnomAD 0.00002; TOPMed 0.00003.
gnomAD v4.1: 10 of 1,609,946 alleles (0.00062%); highest among the groups gnomAD compares: African/African-American, 0.011%; no homozygotes.

Submissions (2):

GeneDx
Classification: Uncertain significance. Last evaluated: 2023-02-13. Review status: criteria provided, single submitter. Criteria: GeneDx Variant Classification Process June 2021. Collection method: clinical testing. Allele origin: germline. Affected: yes.
Comment: Canonical splice site variant in a gene or region of a gene for which loss of function is not a well-established mechanism of disease; Has not been previously published as pathogenic or benign to our knowledge

New York Genome Center
Classification: Uncertain significance for Ceroid lipofuscinosis, neuronal, 4 (Kufs type). Last evaluated: 2019-12-19. Review status: criteria provided, single submitter. Criteria: NYGC Assertion Criteria 2020. Collection method: clinical testing. Allele origin: inherited. Observed: 1 heterozygote. Study: CSER-NYCKidSeq.

NM_025219.3(DNAJC5):c.-11-2A>G

Gene: DNAJC5 (DnaJ heat shock protein family (Hsp40) member C5; plus strand). Cytogenetic location: 20q13.33.
Variant type: single nucleotide variant.
Coding change: c.-11-2A>G on transcript NM_025219.3 (MANE Select); the canonical splice acceptor site of the intron before 11 bases upstream of the start codon, A replaced by G.
Molecular consequence: splice acceptor variant.
Genome position (GRCh38, 1-based): chr20:63,928,333, A>G. VCF-style: chr20-63928333-A-G. GRCh37 (hg19) VCF-style: chr20-62559686-A-G.
Identifiers: ClinVar variation 978128 (VCV000978128.3), dbSNP rs1370715503, ClinGen allele CA636378818.